The following is an entry in ClinVar:

ClinVar aggregate classification (germline): Uncertain significance. Review status: criteria provided, multiple submitters, no conflicts (2 of 4 stars). 2 submissions from 2 submitters: Uncertain significance (2). Last evaluated 2025-12-08.

Conditions:
Cardiovascular phenotype. Identifiers: MedGen CN230736.
Marfan syndrome (MFS). Also called: MARFAN SYNDROME, TYPE I; FBN1-Related Marfan Syndrome; Marfan syndrome type 1; Marfan's syndrome; Marfan syndrome, classic. Identifiers: Orphanet 284963, Orphanet 558, MedGen C0024796, MONDO:0007947, OMIM 154700.
Familial thoracic aortic aneurysm and aortic dissection (TAAD). Also called: Thoracic aortic aneurysms and dissections. Identifiers: Orphanet 91387, MedGen C4707243, MONDO:0019625.

Allele frequency attached by ClinVar (database versions not stated): gnomAD exomes below 0.00001.
gnomAD v4.1: 2 of 1,614,174 alleles (0.00012%); highest among the groups gnomAD compares: Middle Eastern, 0.016%; no homozygotes.

Submissions (2):

Labcorp Genetics (formerly Invitae), Labcorp
Classification: Uncertain significance for Marfan syndrome; Familial thoracic aortic aneurysm and aortic dissection. Last evaluated: 2025-12-08. Review status: criteria provided, single submitter. Criteria: Invitae Variant Classification Sherloc (09022015). Collection method: clinical testing. Allele origin: germline.
Comment: This sequence change replaces glutamine, which is neutral and polar, with arginine, which is basic and polar, at codon 2808 of the FBN1 protein (p.Gln2808Arg). This variant is not present in population databases (gnomAD no frequency). This variant has not been reported in the literature in individuals affected with FBN1-related conditions. ClinVar contains an entry for this variant (Variation ID: 2418075). Invitae Evidence Modeling of protein sequence and biophysical properties (such as structural, functional, and spatial information, amino acid conservation, physicochemical variation, residue mobility, and thermodynamic stability) indicates that this missense variant is not expected to disrupt FBN1 protein function with a negative predictive value of 95%. In summary, the available evidence is currently insufficient to determine the role of this variant in disease. Therefore, it has been classified as a Variant of Uncertain Significance.

Molecular Diagnostic Laboratory for Inherited Cardiovascular Disease, Montreal Heart Institute
Classification: Uncertain significance for Cardiovascular phenotype. Last evaluated: 2025-04-09. Review status: criteria provided, single submitter. Criteria: ACMG Guidelines, 2015. Collection method: clinical testing. Allele origin: germline. Affected: yes.
Comment: PM2, PP2, BP4

NM_000138.5(FBN1):c.8423A>G (p.Gln2808Arg)

Gene: FBN1 (fibrillin 1; minus strand). Cytogenetic location: 15q21.1.
Variant type: single nucleotide variant.
Coding change: c.8423A>G on transcript NM_000138.5 (MANE Select); coding-DNA position 8423, A replaced by G.
Protein change: p.Gln2808Arg; replaces glutamine 2808 with arginine.
Molecular consequence: missense variant.
Genome position (GRCh38, 1-based): chr15:48,411,183, T>C on the plus strand (A>G on the coding strand, the complement: FBN1 is on the minus strand). VCF-style: chr15-48411183-T-C. GRCh37 (hg19) VCF-style: chr15-48703380-T-C.
Other names: c.8423A>G, p.Gln2808Arg (NM_001406716.1); short protein forms Q2808R.
Identifiers: ClinVar variation 2418075 (VCV002418075.7), dbSNP rs2505371099, ClinGen allele CA392319097.